The following is an entry in ClinVar:

ClinVar aggregate classification (germline): Likely pathogenic (1 of 4 stars; one submission).

Conditions:
GNPTG-mucolipidosis. Also called: ML III GAMMA; ML IIIC; MUCOLIPIDOSIS III, COMPLEMENTATION GROUP C; MUCOLIPIDOSIS III, IRANIAN VARIANT FORM; MUCOLIPIDOSIS III, VARIANT FORM; Mucolipidosis type III gamma. Identifiers: Orphanet 423470, Orphanet 577, MedGen C1854896, MONDO:0009652, OMIM 252605.

Submission:

Natera, Inc.
Classification: Likely pathogenic for Mucolipidosis III gamma. Last evaluated: 2024-06-20. Review status: criteria provided, single submitter. Criteria: Natera Variant Classification Schema (03/2026). Collection method: clinical testing. Allele origin: germline.
Comment: The c.694_695dup variant in GNPTG is a frameshift variant predicted to shift the reading frame beginning at codon 233 and leads to a stop codon 28 codons downstream. This variant is expected to result in nonsense mediated decay, truncation, or a dysfunctional protein product. This variant is rare in the general population with a frequency below the threshold expected for the associated phenotype(s). Given the available evidence, this variant is classified as Likely Pathogenic.

NM_032520.5(GNPTG):c.694_695dup (p.Gly233fs)

Gene: GNPTG (N-acetylglucosamine-1-phosphate transferase subunit gamma; plus strand). Cytogenetic location: 16p13.3.
Variant type: Duplication.
Coding change: c.694_695dup on transcript NM_032520.5 (MANE Select); coding-DNA positions 694 to 695, 2 bases duplicated (GG; older notation c.694_695dupGG).
Protein change: p.Gly233fs; shifts the reading frame from glycine 233.
Molecular consequence: frameshift variant.
Genome position (GRCh38, 1-based): chr16:1,362,695-1,362,696, GG duplicated; duplicating any 2 consecutive bases within chr16:1,362,694-1,362,696 gives the same sequence; the c. name uses the placement nearest the transcript's 3' end. VCF-style (leftmost placement, unchanged base first): chr16-1362693-A-AGG. GRCh37 (hg19) VCF-style: chr16-1412694-A-AGG.
Other names: short protein forms G233fs.
Identifiers: ClinVar variation 4816341 (VCV004816341.1).